The following is an entry in ClinVar:

ClinVar aggregate classification (germline): Conflicting classifications of pathogenicity. Review status: criteria provided, conflicting classifications (1 of 4 stars). 3 submissions from 3 submitters: Uncertain significance (2); Likely benign (1). Last evaluated 2025-10-13.

Conditions:
Hereditary cancer-predisposing syndrome. Also called: Hereditary neoplastic syndrome; Neoplastic Syndromes, Hereditary; Tumor predisposition; Hereditary Cancer Syndrome. Identifiers: Orphanet 140162, MedGen C0027672, MeSH D009386, MONDO:0015356.
Tuberous sclerosis 1 (TSC1). Identifiers: Orphanet 805, MedGen C1854465, MONDO:0008612, OMIM 191100.

Allele frequency attached by ClinVar (database versions not stated): gnomAD exomes below 0.00001; ExAC 0.00001.
gnomAD v4.1: 2 of 1,614,192 alleles (0.00012%); highest among the groups gnomAD compares: Admixed American, 0.0017%; no homozygotes.

Submissions (3):

Labcorp Genetics (formerly Invitae), Labcorp
Classification: Likely benign for Tuberous sclerosis 1. Last evaluated: 2025-10-13. Review status: criteria provided, single submitter. Criteria: Invitae Variant Classification Sherloc (09022015). Collection method: clinical testing. Allele origin: germline.

Ambry Genetics
Classification: Uncertain significance for Hereditary cancer-predisposing syndrome. Last evaluated: 2025-06-02. Review status: criteria provided, single submitter. Criteria: Ambry Variant Classification Scheme 2023. Collection method: clinical testing. Allele origin: germline.
Comment: The p.P585S variant (also known as c.1753C>T), located in coding exon 13 of the TSC1 gene, results from a C to T substitution at nucleotide position 1753. The proline at codon 585 is replaced by serine, an amino acid with similar properties. This amino acid position is highly conserved in available vertebrate species. In addition, the in silico prediction for this alteration is inconclusive. Since supporting evidence is limited at this time, the clinical significance of this alteration remains unclear.

GeneDx
Classification: Uncertain significance. Last evaluated: 2022-04-26. Review status: criteria provided, single submitter. Criteria: GeneDx Variant Classification Process June 2021. Collection method: clinical testing. Allele origin: germline. Affected: yes.
Comment: In silico analysis supports that this missense variant does not alter protein structure/function; Has not been previously published as pathogenic or benign to our knowledge

NM_000368.5(TSC1):c.1753C>T (p.Pro585Ser)

Gene: TSC1 (TSC complex subunit 1; minus strand). Cytogenetic location: 9q34.13.
Variant type: single nucleotide variant.
Coding change: c.1753C>T on transcript NM_000368.5 (MANE Select); coding-DNA position 1753, C replaced by T.
Protein change: p.Pro585Ser; replaces proline 585 with serine.
Molecular consequence: missense variant.
Genome position (GRCh38, 1-based): chr9:132,905,825, G>A on the plus strand (C>T on the coding strand, the complement: TSC1 is on the minus strand). VCF-style: chr9-132905825-G-A. GRCh37 (hg19) VCF-style: chr9-135781212-G-A.
Other names: c.1750C>T, p.Pro584Ser (NM_001162426.2); c.1600C>T, p.Pro534Ser (NM_001162427.2); c.1390C>T, p.Pro464Ser (NM_001362177.2); short protein forms P585S, P534S, P464S, P584S.
Identifiers: ClinVar variation 466039 (VCV000466039.16), dbSNP rs766367103, ClinGen allele CA029621.
Genomic context (GRCh38, chr9:132,905,825, plus strand): 5'-CATACGGGGGAGGCTGCCCGCTTCCAAAGCCCACTCTCGTCGGAGGTGGAATTTTACAAG[G>A]ACTGGGAGTGAAGATACTGGTCTCCAAAGAAGTCTGGCATTCCCTGTCTCCCGCAGGGCT-3'
Protein context (NP_000359.1, residues 575-595): SLETSIFTPS[Pro585Ser]CKIPPPTRVG